The following is an entry in ClinVar:

ClinVar aggregate classification (germline): Conflicting classifications of pathogenicity. Review status: criteria provided, conflicting classifications (1 of 4 stars). 14 submissions from 13 submitters: Uncertain significance (1); Benign (8); Likely benign (3). 2 of the submissions do not count toward it. Last evaluated 2026-01-18.

Conditions:
Cardiovascular phenotype. Identifiers: MedGen CN230736.
Myofibrillar myopathy 6. Identifiers: Orphanet 199340, MedGen C2751831, MONDO:0013061, OMIM 612954.
Dilated cardiomyopathy 1HH (CMD1HH). Identifiers: Orphanet 154, MedGen C3151293, MONDO:0013479, OMIM 613881.

Allele frequency attached by ClinVar (database versions not stated): gnomAD exomes 0.00047; ExAC 0.00058; ESP Exome Variant Server 0.00138; gnomAD 0.00139 and 0.00144; TOPMed 0.00163; 1000 Genomes Project 30x 0.00250; 1000 Genomes Project 0.00260.
gnomAD v4.1: 437 of 1,614,050 alleles (0.027%); highest among the groups gnomAD compares: African/African-American, 0.5%; 2 homozygotes.

Submissions (14):

Labcorp Genetics (formerly Invitae), Labcorp
Classification: Benign for Dilated cardiomyopathy 1HH; Myofibrillar myopathy 6. Last evaluated: 2026-01-18. Review status: criteria provided, single submitter. Criteria: Invitae Variant Classification Sherloc (09022015). Collection method: clinical testing. Allele origin: germline.

Molecular Diagnostic Laboratory for Inherited Cardiovascular Disease, Montreal Heart Institute
Classification: Likely benign. Last evaluated: 2025-04-09. Review status: criteria provided, single submitter. Criteria: ACMG Guidelines, 2015. Collection method: clinical testing. Allele origin: germline. Affected: no.
Comment: BS1;BP6;BP7

ARUP Laboratories, Molecular Genetics and Genomics, ARUP Laboratories
Classification: Benign. Last evaluated: 2024-12-07. Review status: criteria provided, single submitter. Criteria: ARUP Molecular Germline Variant Investigation Process 2024. Collection method: clinical testing. Allele origin: germline.

Women's Health and Genetics/Laboratory Corporation of America, LabCorp
Classification: Benign. Last evaluated: 2024-12-06. Review status: criteria provided, single submitter. Criteria: LabCorp Variant Classification Summary - May 2015. Collection method: clinical testing. Allele origin: germline.

Blueprint Genetics
Classification: Likely benign. Last evaluated: 2024-09-13. Review status: criteria provided, single submitter. Criteria: ACMG Guidelines, 2015. Collection method: clinical testing. Allele origin: germline.

Mayo Clinic Laboratories, Mayo Clinic
Classification: Benign. Last evaluated: 2023-08-29. Review status: criteria provided, single submitter. Criteria: ACMG Guidelines, 2015. Collection method: clinical testing. Allele origin: germline. Observed: 3 variant alleles.
Comment: BA1, BP4, BP7

Illumina Laboratory Services, Illumina
Classification: Benign for Myofibrillar myopathy 6. Last evaluated: 2018-01-12. Review status: criteria provided, single submitter. Criteria: ICSL Variant Classification Criteria 13 December 2019. Collection method: clinical testing. Allele origin: germline.
Comment: This variant was observed in the ICSL laboratory as part of a predisposition screen in an ostensibly healthy population. It had not been previously curated by ICSL or reported in the Human Gene Mutation Database (HGMD: prior to June 1st, 2018), and was therefore a candidate for classification through an automated scoring system. Utilizing variant allele frequency, disease prevalence and penetrance estimates, and inheritance mode, an automated score was calculated to assess if this variant is too frequent to cause the disease. Based on the score and internal cut-off values, a variant classified as benign is not then subjected to further curation. The score for this variant resulted in a classification of benign for this disease.

Illumina Laboratory Services, Illumina
Classification: Uncertain significance for Dilated cardiomyopathy 1HH. Last evaluated: 2018-01-12. Review status: criteria provided, single submitter. Criteria: ICSL Variant Classification Criteria 13 December 2019. Collection method: clinical testing. Allele origin: germline.

Ambry Genetics
Classification: Likely benign for Cardiovascular phenotype. Last evaluated: 2017-04-29. Review status: criteria provided, single submitter. Criteria: Ambry Variant Classification Scheme 2023. Collection method: clinical testing. Allele origin: germline.

Eurofins Ntd Llc (ga)
Classification: Benign. Last evaluated: 2015-03-20. Review status: criteria provided, single submitter. Criteria: EGL Classification Definitions 2015. Collection method: clinical testing. Allele origin: germline. Observed: 1 variant allele, 1 heterozygote.

GeneDx
Classification: Benign. Last evaluated: 2014-08-28. Review status: criteria provided, single submitter. Criteria: GeneDx Variant Classification (06012015). Collection method: clinical testing. Allele origin: germline. Affected: yes.
Comment: This variant is considered likely benign or benign based on one or more of the following criteria: it is a conservative change, it occurs at a poorly conserved position in the protein, it is predicted to be benign by multiple in silico algorithms, and/or has population frequency not consistent with disease.

Laboratory for Molecular Medicine, Mass General Brigham Personalized Medicine
Classification: Benign. Last evaluated: 2012-03-19. Review status: criteria provided, single submitter. Criteria: LMM Criteria. Collection method: clinical testing. Allele origin: germline. Observed: 3 variant alleles.
Comment: p.Ala529Ala in Exon 04 of BAG3: This variant is not expected to have clinical si gnificance because it does not alter an amino acid residue, is not located withi n the splice consensus sequence and has been identified in 0.3% (13/3738) of Afr ican American chromosomes from a broad population by the NHLBI Exome Sequencing Project (dbSNP rs149358702).

Clinical Genetics, Academic Medical Center
Classification: Benign. Review status: no assertion criteria provided. Collection method: clinical testing. Allele origin: germline. Affected: yes. Study: VKGL Data-share Consensus. Not counted in ClinVar's aggregate classification.

Diagnostic Laboratory, Department of Genetics, University Medical Center Groningen
Classification: Likely benign. Review status: no assertion criteria provided. Collection method: clinical testing. Allele origin: germline. Affected: yes. Study: VKGL Data-share Consensus. Not counted in ClinVar's aggregate classification.

NM_004281.4(BAG3):c.1587C>T (p.Ala529=)

Gene: BAG3 (BAG cochaperone 3; plus strand). Cytogenetic location: 10q26.11.
Variant type: single nucleotide variant.
Coding change: c.1587C>T on transcript NM_004281.4 (MANE Select); coding-DNA position 1587, C replaced by T.
Protein change: p.Ala529=; no amino-acid change (alanine 529 retained).
Molecular consequence: synonymous variant.
Genome position (GRCh38, 1-based): chr10:119,677,141, C>T. VCF-style: chr10-119677141-C-T. GRCh37 (hg19) VCF-style: chr10-121436653-C-T.
Other names: p.A529A:GCC>GCT; p.Ala529=.
Identifiers: ClinVar variation 178009 (VCV000178009.39), dbSNP rs149358702, ClinGen allele CA295673.